The following is an entry in ClinVar:

NM_002087.4(GRN):c.1146G>A (p.Thr382=)

Gene: GRN (granulin precursor; plus strand). Cytogenetic location: 17q21.31.
Variant type: single nucleotide variant.
Coding change: c.1146G>A on transcript NM_002087.4 (MANE Select); coding-DNA position 1146, G replaced by A.
Protein change: p.Thr382=; no amino-acid change (threonine 382 retained).
Molecular consequence: synonymous variant.
Genome position (GRCh38, 1-based): chr17:44,351,762, G>A. VCF-style: chr17-44351762-G-A. GRCh37 (hg19) VCF-style: chr17-42429130-G-A.
Identifiers: ClinVar variation 756823 (VCV000756823.24), dbSNP rs200308105, ClinGen allele CA8602109.

ClinVar aggregate classification (germline): Likely benign. Review status: criteria provided, multiple submitters, no conflicts (2 of 4 stars). 2 submissions from 2 submitters: Likely benign (2). Last evaluated 2024-10-01.

Conditions:
GRN-related frontotemporal lobar degeneration with Tdp43 inclusions (FTD2). Also called: FRONTOTEMPORAL LOBAR DEGENERATION WITH UBIQUITIN-POSITIVE INCLUSIONS; FTLD-TDP, GRN-RELATED; DEMENTIA, HEREDITARY DYSPHASIC DISINHIBITION; GRN Frontotemporal Dementia; FRONTOTEMPORAL DEMENTIA WITH TDP43 INCLUSIONS, GRN-RELATED. Identifiers: Orphanet 100070, Orphanet 282, MedGen C1843792, MONDO:0011842, OMIM 607485. Disease mechanism: loss of function.
Neuronal ceroid lipofuscinosis 11. Also called: GRN-Related Neuronal Ceroid-Lipofuscinosis. Identifiers: Orphanet 314629, Orphanet 79262, MedGen C3539123, MONDO:0013866, OMIM 614706.

Allele frequency attached by ClinVar (database versions not stated): TOPMed below 0.00001; gnomAD 0.00001; gnomAD exomes 0.00001; ExAC 0.00002; 1000 Genomes Project 30x 0.00016; 1000 Genomes Project 0.00020.
gnomAD v4.1: 12 of 1,613,548 alleles (0.00074%); highest among the groups gnomAD compares: East Asian, 0.0022%; no homozygotes.

Submissions (2):

CeGaT Center for Human Genetics Tuebingen
Classification: Likely benign. Last evaluated: 2024-10-01. Review status: criteria provided, single submitter. Criteria: CeGaT Center For Human Genetics Tuebingen Variant Classification Criteria Version 2. Collection method: clinical testing. Allele origin: germline. Affected: yes. Observed: 1 variant allele.
Comment: GRN: BP4, BP7

Labcorp Genetics (formerly Invitae), Labcorp
Classification: Likely benign for Neuronal ceroid lipofuscinosis 11; GRN-related frontotemporal lobar degeneration with Tdp43 inclusions. Last evaluated: 2024-08-29. Review status: criteria provided, single submitter. Criteria: Invitae Variant Classification Sherloc (09022015). Collection method: clinical testing. Allele origin: germline.